The following is an entry in ClinVar:

ClinVar aggregate classification (germline): Uncertain significance (1 of 4 stars; one submission).

Submission:

GeneDx
Classification: Uncertain significance. Last evaluated: 2025-05-29. Review status: criteria provided, single submitter. Criteria: GeneDx Variant Classification Process June 2021. Collection method: clinical testing. Allele origin: germline. Affected: yes.
Comment: Not observed at significant frequency in large population cohorts (gnomAD); In silico analysis supports that this missense variant has a deleterious effect on protein structure/function; Has not been previously published as pathogenic or benign to our knowledge

NM_006662.3(SRCAP):c.6411C>G (p.Asp2137Glu)

Gene: SRCAP (Snf2 related CREBBP activator protein; plus strand). Cytogenetic location: 16p11.2.
Variant type: single nucleotide variant.
Coding change: c.6411C>G on transcript NM_006662.3 (MANE Select); coding-DNA position 6411, C replaced by G.
Protein change: p.Asp2137Glu; replaces aspartic acid 2137 with glutamic acid.
Molecular consequence: missense variant.
Genome position (GRCh38, 1-based): chr16:30,733,715, C>G. VCF-style: chr16-30733715-C-G. GRCh37 (hg19) VCF-style: chr16-30745036-C-G.
Other names: short protein forms D2137E.
Identifiers: ClinVar variation 4532551 (VCV004532551.1).